The following is an entry in ClinVar:

NM_005224.3(ARID3A):c.676G>T (p.Glu226Ter)

Gene: ARID3A (AT-rich interaction domain 3A; plus strand). Cytogenetic location: 19p13.3.
Variant type: single nucleotide variant.
Coding change: c.676G>T on transcript NM_005224.3 (MANE Select); coding-DNA position 676, G replaced by T.
Protein change: p.Glu226Ter; replaces glutamic acid 226 with a stop codon.
Molecular consequence: nonsense.
Genome position (GRCh38, 1-based): chr19:932,725, G>T. VCF-style: chr19-932725-G-T. GRCh37 (hg19) VCF-style: chr19-932725-G-T.
Other names: short protein forms E226*.
Identifiers: ClinVar variation 2505236 (VCV002505236.1), dbSNP rs2511979479, ClinGen allele CA402924648.

ClinVar aggregate classification (germline): Uncertain significance (1 of 4 stars; one submission).

Submission:

Greenwood Genetic Center Diagnostic Laboratories, Greenwood Genetic Center
Classification: Uncertain significance. Last evaluated: 2023-01-23. Review status: criteria provided, single submitter. Criteria: ACMG Guidelines, 2015. Collection method: clinical testing. Allele origin: germline. Affected: yes.
Comment: Gene of Uncertain Significance